The following is an entry in ClinVar:

ClinVar aggregate classification (germline): Uncertain significance (1 of 4 stars; one submission).

Conditions:
Facioscapulohumeral muscular dystrophy 2 (FSHD2). Also called: FACIOSCAPULOHUMERAL MUSCULAR DYSTROPHY 2, DIGENIC; MUSCULAR DYSTROPHY, FACIOSCAPULOHUMERAL, TYPE 1B; FSHD2, DIGENIC. Identifiers: Orphanet 269, MedGen C1834671, MONDO:0008031, OMIM 158901.

Allele frequency attached by ClinVar (database versions not stated): gnomAD exomes below 0.00001; TOPMed below 0.00001.
gnomAD v4.1: 1 of 1,612,054 alleles (0.000062%); highest among the groups gnomAD compares: South Asian, 0.0011%; no homozygotes.

Submission:

Labcorp Genetics (formerly Invitae), Labcorp
Classification: Uncertain significance for Facioscapulohumeral muscular dystrophy 2. Last evaluated: 2022-08-07. Review status: criteria provided, single submitter. Criteria: Invitae Variant Classification Sherloc (09022015). Collection method: clinical testing. Allele origin: germline.
Comment: This sequence change replaces glutamic acid, which is acidic and polar, with glycine, which is neutral and non-polar, at codon 1366 of the SMCHD1 protein (p.Glu1366Gly). This variant is not present in population databases (gnomAD no frequency). This variant has not been reported in the literature in individuals affected with SMCHD1-related conditions. Algorithms developed to predict the effect of missense changes on protein structure and function are either unavailable or do not agree on the potential impact of this missense change (SIFT: "Deleterious"; PolyPhen-2: "Benign"; Align-GVGD: "Class C0"). In summary, the available evidence is currently insufficient to determine the role of this variant in disease. Therefore, it has been classified as a Variant of Uncertain Significance.

NM_015295.3(SMCHD1):c.4097A>G (p.Glu1366Gly)

Gene: SMCHD1 (structural maintenance of chromosomes flexible hinge domain containing 1; plus strand). Cytogenetic location: 18p11.32.
Variant type: single nucleotide variant.
Coding change: c.4097A>G on transcript NM_015295.3 (MANE Select); coding-DNA position 4097, A replaced by G.
Protein change: p.Glu1366Gly; replaces glutamic acid 1366 with glycine.
Molecular consequence: missense variant.
Genome position (GRCh38, 1-based): chr18:2,750,439, A>G. VCF-style: chr18-2750439-A-G. GRCh37 (hg19) VCF-style: chr18-2750437-A-G.
Other names: short protein forms E1366G.
Identifiers: ClinVar variation 1715489 (VCV001715489.5), dbSNP rs2075549669, ClinGen allele CA401692117.